The following is an entry in ClinVar:

ClinVar aggregate classification (germline): Uncertain significance (1 of 4 stars; one submission).

Conditions:
Noonan syndrome 9 (NS9). Identifiers: Orphanet 648, MedGen C4225282, MONDO:0014691, OMIM 616559.

Submission:

Labcorp Genetics (formerly Invitae), Labcorp
Classification: Uncertain significance for Noonan syndrome 9. Last evaluated: 2019-10-10. Review status: criteria provided, single submitter. Criteria: Invitae Variant Classification Sherloc (09022015). Collection method: clinical testing. Allele origin: germline.
Comment: This variant is not present in population databases (ExAC no frequency). In summary, the available evidence is currently insufficient to determine the role of this variant in disease. Therefore, it has been classified as a Variant of Uncertain Significance. Algorithms developed to predict the effect of missense changes on protein structure and function output the following: SIFT: "Tolerated"; PolyPhen-2: "Benign"; Align-GVGD: "Class C0". The threonine amino acid residue is found in multiple mammalian species, suggesting that this missense change does not adversely affect protein function. These predictions have not been confirmed by published functional studies and their clinical significance is uncertain. This variant has not been reported in the literature in individuals with SOS2-related conditions. This sequence change replaces alanine with threonine at codon 314 of the SOS2 protein (p.Ala314Thr). The alanine residue is moderately conserved and there is a small physicochemical difference between alanine and threonine.

NM_006939.4(SOS2):c.940G>A (p.Ala314Thr)

Gene: SOS2 (SOS Ras/Rho guanine nucleotide exchange factor 2; minus strand). Cytogenetic location: 14q21.3.
Variant type: single nucleotide variant.
Coding change: c.940G>A on transcript NM_006939.4 (MANE Select); coding-DNA position 940, G replaced by A.
Protein change: p.Ala314Thr; replaces alanine 314 with threonine.
Molecular consequence: missense variant.
Genome position (GRCh38, 1-based): chr14:50,180,601, C>T on the plus strand (G>A on the coding strand, the complement: SOS2 is on the minus strand). VCF-style: chr14-50180601-C-T. GRCh37 (hg19) VCF-style: chr14-50647319-C-T.
Other names: short protein forms A314T.
Identifiers: ClinVar variation 968398 (VCV000968398.9), dbSNP rs1885702958, ClinGen allele CA389646957.